The following is an entry in ClinVar:

ClinVar aggregate classification (germline): Likely pathogenic (1 of 4 stars; one submission).

Conditions:
Autosomal recessive polycystic kidney disease (ARPKD). Also called: AR polycystic kidney disease. Identifiers: Orphanet 731, Orphanet 8378, MedGen C0085548, MeSH D017044, MONDO:0009889.

Submission:

Natera, Inc.
Classification: Likely pathogenic for Autosomal recessive polycystic kidney disease. Last evaluated: 2024-06-24. Review status: criteria provided, single submitter. Criteria: Natera Variant Classification Schema (03/2026). Collection method: clinical testing. Allele origin: germline.
Comment: The c.6133G>T variant in PKHD1 is a nonsense variant predicted to introduce a stop codon at amino acid 2045. This variant is expected to result in nonsense mediated decay, truncation, or a dysfunctional protein product. This variant is rare in the general population with a frequency below the threshold expected for the associated phenotype(s). Given the available evidence, this variant is classified as Likely Pathogenic.

NM_138694.4(PKHD1):c.6133G>T (p.Glu2045Ter)

Gene: PKHD1 (PKHD1 ciliary IPT domain containing fibrocystin/polyductin; minus strand). Cytogenetic location: 6p12.2.
Variant type: single nucleotide variant.
Coding change: c.6133G>T on transcript NM_138694.4 (MANE Select); coding-DNA position 6133, G replaced by T.
Protein change: p.Glu2045Ter; replaces glutamic acid 2045 with a stop codon.
Molecular consequence: nonsense.
Genome position (GRCh38, 1-based): chr6:51,912,565, C>A on the plus strand (G>T on the coding strand, the complement: PKHD1 is on the minus strand). VCF-style: chr6-51912565-C-A. GRCh37 (hg19) VCF-style: chr6-51777363-C-A.
Other names: c.6133G>T, p.Glu2045Ter (NM_170724.3); short protein forms E2045*.
Identifiers: ClinVar variation 4816710 (VCV004816710.1).